The following is an entry in ClinVar:

ClinVar aggregate classification (germline): Uncertain significance (1 of 4 stars; one submission).

Allele frequency attached by ClinVar (database versions not stated): gnomAD exomes 0.00001; TOPMed 0.00001.
gnomAD v4.1: 3 of 1,586,454 alleles (0.00019%); highest among the groups gnomAD compares: Non-Finnish European, 0.00026%; no homozygotes.

Submission:

Labcorp Genetics (formerly Invitae), Labcorp
Classification: Uncertain significance. Last evaluated: 2023-10-13. Review status: criteria provided, single submitter. Criteria: Invitae Variant Classification Sherloc (09022015). Collection method: clinical testing. Allele origin: germline.
Comment: This sequence change replaces valine, which is neutral and non-polar, with alanine, which is neutral and non-polar, at codon 260 of the PGAP3 protein (p.Val260Ala). This variant is not present in population databases (gnomAD no frequency). This variant has not been reported in the literature in individuals affected with PGAP3-related conditions. ClinVar contains an entry for this variant (Variation ID: 1933184). Advanced modeling of protein sequence and biophysical properties (such as structural, functional, and spatial information, amino acid conservation, physicochemical variation, residue mobility, and thermodynamic stability) has been performed at Invitae for this missense variant, however the output from this modeling did not meet the statistical confidence thresholds required to predict the impact of this variant on PGAP3 protein function. Algorithms developed to predict the effect of sequence changes on RNA splicing suggest that this variant may disrupt the consensus splice site. In summary, the available evidence is currently insufficient to determine the role of this variant in disease. Therefore, it has been classified as a Variant of Uncertain Significance.

NM_033419.5(PGAP3):c.779T>C (p.Val260Ala)

Gene: PGAP3 (post-GPI attachment to proteins phospholipase 3; minus strand). Cytogenetic location: 17q12.
Variant type: single nucleotide variant.
Coding change: c.779T>C on transcript NM_033419.5 (MANE Select); coding-DNA position 779, T replaced by C.
Protein change: p.Val260Ala; replaces valine 260 with alanine.
Molecular consequence: missense variant. On other transcripts: intron variant (3).
Genome position (GRCh38, 1-based): chr17:39,673,171, A>G on the plus strand (T>C on the coding strand, the complement: PGAP3 is on the minus strand). VCF-style: chr17-39673171-A-G. GRCh37 (hg19) VCF-style: chr17-37829424-A-G.
Other names: c.626T>C, p.Val209Ala (NM_001291726.2); c.716T>C, p.Val239Ala (NM_001291728.2); c.433-305T>C (NM_001291733.2); c.495-305T>C (NM_001291732.2); c.558-305T>C (NM_001291730.2); short protein forms V209A, V260A, V239A.
Identifiers: ClinVar variation 1933184 (VCV001933184.5), dbSNP rs1248974263, ClinGen allele CA399320160.
Genomic context (GRCh38, chr17:39,673,171, plus strand): 5'-ACCCAGAAGAGCGGTGGGAAGTCAAGCAGCTCGAGCAGGGACAGCCCCTGCAGCAGCAAG[A>G]CCACCACCACGCACTTGCGCACGTGAGGCAGCCGCCGCTGGTTCCACAGGCACCAGGCCA-3'
Protein context (NP_219487.3, residues 250-270): LPHVRKCVVV[Val260Ala]LLLQGLSLLE